The following is an entry in ClinVar:

ClinVar aggregate classification (germline): Likely benign (1 of 4 stars; one submission).

gnomAD v4.1: 219 of 1,614,042 alleles (0.014%); highest among the groups gnomAD compares: African/African-American, 0.23%; 2 homozygotes.

Submission:

CeGaT Center for Human Genetics Tuebingen
Classification: Likely benign. Last evaluated: 2026-04-01. Review status: criteria provided, single submitter. Criteria: CeGaT Center For Human Genetics Tuebingen Variant Classification Criteria Version 2. Collection method: clinical testing. Allele origin: germline. Affected: yes. Observed: 1 variant allele.
Comment: COL14A1: BP4, BS2

NM_021110.4(COL14A1):c.4153G>A (p.Ala1385Thr)

Gene: COL14A1 (collagen type XIV alpha 1 chain; plus strand). Cytogenetic location: 8q24.12.
Variant type: single nucleotide variant.
Coding change: c.4153G>A on transcript NM_021110.4 (MANE Select); coding-DNA position 4153, G replaced by A.
Protein change: p.Ala1385Thr; replaces alanine 1385 with threonine.
Molecular consequence: missense variant.
Genome position (GRCh38, 1-based): chr8:120,289,683, G>A. VCF-style: chr8-120289683-G-A. GRCh37 (hg19) VCF-style: chr8-121301922-G-A.
Other names: c.4153G>A, p.Ala1385Thr (NM_001384947.1, NM_001413490.1, NM_001413491.1 and 3 more transcripts); c.4066G>A, p.Ala1356Thr (NM_001413495.1, NM_001413498.1); c.1801G>A, p.Ala601Thr (NM_001413499.1, NM_001413500.1); short protein forms A1356T, A1385T, A601T.
Identifiers: ClinVar variation 4872593 (VCV004872593.2).